The following is an entry in ClinVar:

NM_020964.3(EPG5):c.4813G>T (p.Glu1605Ter)

Gene: EPG5 (ectopic P-granules 5 autophagy tethering factor; minus strand). Cytogenetic location: 18q12.3.
Variant type: single nucleotide variant.
Coding change: c.4813G>T on transcript NM_020964.3 (MANE Select); coding-DNA position 4813, G replaced by T.
Protein change: p.Glu1605Ter; replaces glutamic acid 1605 with a stop codon.
Molecular consequence: nonsense.
Genome position (GRCh38, 1-based): chr18:45,889,937, C>A on the plus strand (G>T on the coding strand, the complement: EPG5 is on the minus strand). VCF-style: chr18-45889937-C-A. GRCh37 (hg19) VCF-style: chr18-43469902-C-A.
Other names: c.4813G>T, p.Glu1605Ter (NM_001410858.1, NM_001410859.1); short protein forms E1605*.
Identifiers: ClinVar variation 3728835 (VCV003728835.2).

ClinVar aggregate classification (germline): Pathogenic (1 of 4 stars; one submission).

Conditions:
Vici syndrome (VICIS). Identifiers: Orphanet 1493, MedGen C1855772, MONDO:0009452, OMIM 242840.

Submission:

Labcorp Genetics (formerly Invitae), Labcorp
Classification: Pathogenic for Vici syndrome. Last evaluated: 2025-01-11. Review status: criteria provided, single submitter. Criteria: Invitae Variant Classification Sherloc (09022015). Collection method: clinical testing. Allele origin: germline.
Comment: This sequence change creates a premature translational stop signal (p.Glu1605*) in the EPG5 gene. It is expected to result in an absent or disrupted protein product. Loss-of-function variants in EPG5 are known to be pathogenic (PMID: 23222957, 23674064). This variant is not present in population databases (gnomAD no frequency). This variant has not been reported in the literature in individuals affected with EPG5-related conditions. For these reasons, this variant has been classified as Pathogenic.

Literature cited by the submitters: PubMed 23222957; PubMed 23674064.